The following is an entry in ClinVar:

NM_000350.3(ABCA4):c.4718G>C (p.Gly1573Ala)

Genes: ABCA4 (ATP binding cassette subfamily A member 4; minus strand), LOC126805793 (CDK7 strongly-dependent group 2 enhancer GRCh37_chr1:94486302-94487501; plus strand). Cytogenetic location: 1p22.1.
Variant type: single nucleotide variant.
Coding change: c.4718G>C on transcript NM_000350.3 (MANE Select); coding-DNA position 4718, G replaced by C.
Protein change: p.Gly1573Ala; replaces glycine 1573 with alanine.
Molecular consequence: missense variant.
Genome position (GRCh38, 1-based): chr1:94,021,901, C>G on the plus strand (G>C on the coding strand, the complement: ABCA4 is on the minus strand). VCF-style: chr1-94021901-C-G. GRCh37 (hg19) VCF-style: chr1-94487457-C-G.
Other names: c.4496G>C, p.Gly1499Ala (NM_001425324.1); short protein forms G1573A, G1499A.
Identifiers: ClinVar variation 1461849 (VCV001461849.7), dbSNP rs774279555, ClinGen allele CA957500.

ClinVar aggregate classification (germline): Uncertain significance (1 of 4 stars; one submission).

Allele frequency attached by ClinVar (database versions not stated): gnomAD exomes below 0.00001; ExAC 0.00001; gnomAD 0.00001.
gnomAD v4.1: 2 of 1,614,076 alleles (0.00012%); highest among the groups gnomAD compares: East Asian, 0.0045%; no homozygotes.

Submission:

Labcorp Genetics (formerly Invitae), Labcorp
Classification: Uncertain significance. Last evaluated: 2024-02-17. Review status: criteria provided, single submitter. Criteria: Invitae Variant Classification Sherloc (09022015). Collection method: clinical testing. Allele origin: germline.
Comment: This sequence change replaces glycine, which is neutral and non-polar, with alanine, which is neutral and non-polar, at codon 1573 of the ABCA4 protein (p.Gly1573Ala). This variant is present in population databases (rs774279555, gnomAD 0.006%). This variant has not been reported in the literature in individuals affected with ABCA4-related conditions. ClinVar contains an entry for this variant (Variation ID: 1461849). Advanced modeling of protein sequence and biophysical properties (such as structural, functional, and spatial information, amino acid conservation, physicochemical variation, residue mobility, and thermodynamic stability) performed at Invitae indicates that this missense variant is not expected to disrupt ABCA4 protein function with a negative predictive value of 95%. In summary, the available evidence is currently insufficient to determine the role of this variant in disease. Therefore, it has been classified as a Variant of Uncertain Significance.